The following is an entry in ClinVar:

NM_001942.4(DSG1):c.1514G>A (p.Gly505Asp)

Gene: DSG1 (desmoglein 1; plus strand). Cytogenetic location: 18q12.1.
Variant type: single nucleotide variant.
Coding change: c.1514G>A on transcript NM_001942.4 (MANE Select); coding-DNA position 1514, G replaced by A.
Protein change: p.Gly505Asp; replaces glycine 505 with aspartic acid.
Molecular consequence: missense variant.
Genome position (GRCh38, 1-based): chr18:31,339,852, G>A. VCF-style: chr18-31339852-G-A. GRCh37 (hg19) VCF-style: chr18-28919815-G-A.
Other names: c.1514G>A (NM_001942.2); short protein forms G505D.
Identifiers: ClinVar variation 1969347 (VCV001969347.6), dbSNP rs1225339100, ClinGen allele CA402137642.

ClinVar aggregate classification (germline): Uncertain significance. Review status: criteria provided, multiple submitters, no conflicts (2 of 4 stars). 2 submissions from 2 submitters: Uncertain significance (2). Last evaluated 2026-06-09.

Conditions:
Inborn genetic diseases. Identifiers: MedGen C0950123, MeSH D030342.

Allele frequency attached by ClinVar (database versions not stated): gnomAD 0.00001; gnomAD exomes below 0.00001.
gnomAD v4.1: 6 of 1,613,862 alleles (0.00037%); highest among the groups gnomAD compares: African/African-American, 0.0053%; no homozygotes.

Submissions (2):

Ambry Genetics
Classification: Uncertain significance for Inborn genetic diseases. Last evaluated: 2026-06-09. Review status: criteria provided, single submitter. Criteria: Ambry Variant Classification Scheme 2023. Collection method: clinical testing. Allele origin: germline.

Labcorp Genetics (formerly Invitae), Labcorp
Classification: Uncertain significance. Last evaluated: 2024-09-17. Review status: criteria provided, single submitter. Criteria: Invitae Variant Classification Sherloc (09022015). Collection method: clinical testing. Allele origin: germline.
Comment: This sequence change replaces glycine, which is neutral and non-polar, with aspartic acid, which is acidic and polar, at codon 505 of the DSG1 protein (p.Gly505Asp). This variant is present in population databases (no rsID available, gnomAD 0.003%). This variant has not been reported in the literature in individuals affected with DSG1-related conditions. ClinVar contains an entry for this variant (Variation ID: 1969347). Invitae Evidence Modeling of protein sequence and biophysical properties (such as structural, functional, and spatial information, amino acid conservation, physicochemical variation, residue mobility, and thermodynamic stability) indicates that this missense variant is not expected to disrupt DSG1 protein function with a negative predictive value of 80%. In summary, the available evidence is currently insufficient to determine the role of this variant in disease. Therefore, it has been classified as a Variant of Uncertain Significance.